The following is an entry in ClinVar:

ClinVar aggregate classification (germline): Conflicting classifications of pathogenicity. Review status: criteria provided, conflicting classifications (1 of 4 stars). 3 submissions from 3 submitters: Pathogenic (1); Likely pathogenic (1); Uncertain significance (1). Last evaluated 2026-01-28.

Conditions:
Landau-Kleffner syndrome (FESD). Also called: EPILEPSY, FOCAL, WITH SPEECH DISORDER AND WITH OR WITHOUT MENTAL RETARDATION; APHASIA, ACQUIRED, WITH EPILEPSY. Identifiers: Orphanet 1945, Orphanet 725, Orphanet 98818, MedGen C0282512, MONDO:0009509, OMIM 245570.

Submissions (3):

Labcorp Genetics (formerly Invitae), Labcorp
Classification: Likely pathogenic for Landau-Kleffner syndrome. Last evaluated: 2026-01-28. Review status: criteria provided, single submitter. Criteria: Invitae Variant Classification Sherloc (09022015). Collection method: clinical testing. Allele origin: germline.
Comment: This sequence change affects a donor splice site in intron 3 of the GRIN2A gene. It is expected to disrupt RNA splicing. Variants that disrupt the donor or acceptor splice site typically lead to a loss of protein function (PMID: 16199547), and loss-of-function variants in GRIN2A are known to be pathogenic (PMID: 23933819, 23933820). This variant is not present in population databases (gnomAD no frequency). Disruption of this splice site has been observed in individual(s) with clinical features of GRIN2A-related conditions (internal data). ClinVar contains an entry for this variant (Variation ID: 3337156). Algorithms developed to predict the effect of sequence changes on RNA splicing suggest that this variant may disrupt the consensus splice site. In summary, the currently available evidence indicates that the variant is pathogenic, but additional data are needed to prove that conclusively. Therefore, this variant has been classified as Likely Pathogenic.

Institute of Human Genetics, University of Leipzig Medical Center
Classification: Uncertain significance for Landau-Kleffner syndrome. Last evaluated: 2025-08-06. Review status: criteria provided, single submitter. Criteria: ACMG Guidelines, 2015. Collection method: clinical testing. Allele origin: maternal. Inheritance: Autosomal dominant inheritance. Affected: yes.
Comment: Criteria applied: PVS1_MOD,PM2,PS4_SUP

Clinical Genetics Laboratory, Skane University Hospital Lund
Classification: Pathogenic. Last evaluated: 2022-10-05. Review status: criteria provided, single submitter. Criteria: ACMG Guidelines, 2015. Collection method: clinical testing. Allele origin: germline. Affected: yes.

Literature cited by the submitters: PubMed 16199547 (cited by Labcorp Genetics (formerly Invitae), Labcorp); PubMed 23933819 (cited by Labcorp Genetics (formerly Invitae), Labcorp); PubMed 23933820 (cited by Labcorp Genetics (formerly Invitae), Labcorp).

NM_001134407.3(GRIN2A):c.414+1G>A

Gene: GRIN2A (glutamate ionotropic receptor NMDA type subunit 2A; minus strand). Cytogenetic location: 16p13.2.
Variant type: single nucleotide variant.
Coding change: c.414+1G>A on transcript NM_001134407.3 (MANE Select); the canonical splice donor site of the intron after coding-DNA position 414, G replaced by A.
Molecular consequence: splice donor variant.
Genome position (GRCh38, 1-based): chr16:10,179,997, C>T on the plus strand (G>A on the coding strand, the complement: GRIN2A is on the minus strand). VCF-style: chr16-10179997-C-T. GRCh37 (hg19) VCF-style: chr16-10273854-C-T.
Other names: c.414+1G>A (NM_001134408.2, NM_000833.5).
Identifiers: ClinVar variation 3337156 (VCV003337156.4).
Genomic context (GRCh38, chr16:10,179,997, plus strand): 5'-GCAGCTGCCATGCAGCTGGTGGCTTCCCAGGTCCTGGCAGGGCATCAGTTTCCGGCCTTA[C>T]CTTGTCAGCCATGATCATAGATGCGCCCCCATGAATGCCCAAGATGGGGACGAAGGTGTG-3'